The following is an entry in ClinVar:

NM_053025.4(MYLK):c.4691A>G (p.Lys1564Arg)

Gene: MYLK (myosin light chain kinase; minus strand). Cytogenetic location: 3q21.1.
Variant type: single nucleotide variant.
Coding change: c.4691A>G on transcript NM_053025.4 (MANE Select); coding-DNA position 4691, A replaced by G.
Protein change: p.Lys1564Arg; replaces lysine 1564 with arginine.
Molecular consequence: missense variant.
Genome position (GRCh38, 1-based): chr3:123,640,433, T>C on the plus strand (A>G on the coding strand, the complement: MYLK is on the minus strand). VCF-style: chr3-123640433-T-C. GRCh37 (hg19) VCF-style: chr3-123359280-T-C.
Other names: c.4163A>G, p.Lys1388Arg (NM_001321309.2); c.4484A>G, p.Lys1495Arg (NM_053026.4, NM_053028.4); c.4691A>G, p.Lys1564Arg (NM_053027.4); c.4691A>G (NM_053025.3); short protein forms K1388R, K1495R, K1564R.
Identifiers: ClinVar variation 2420091 (VCV002420091.6), dbSNP rs1016031661, ClinGen allele CA82913899.

ClinVar aggregate classification (germline): Conflicting classifications of pathogenicity. Review status: criteria provided, conflicting classifications (1 of 4 stars). 2 submissions from 2 submitters: Uncertain significance (1); Likely benign (1). Last evaluated 2024-12-23.

Conditions:
Familial thoracic aortic aneurysm and aortic dissection (TAAD). Also called: Thoracic aortic aneurysms and dissections. Identifiers: Orphanet 91387, MedGen C4707243, MONDO:0019625.
Aortic aneurysm, familial thoracic 7 (AAT7). Also called: AORTIC DISSECTION, FAMILIAL, WITH OR WITHOUT AORTIC ANEURYSM. Identifiers: MedGen C3151077, MONDO:0013418, OMIM 613780.

Allele frequency attached by ClinVar (database versions not stated): gnomAD exomes below 0.00001; gnomAD 0.00001; TOPMed 0.00001.
gnomAD v4.1: 2 of 1,613,846 alleles (0.00012%); highest among the groups gnomAD compares: East Asian, 0.0045%; no homozygotes.

Submissions (2):

Ambry Genetics
Classification: Likely benign for Familial thoracic aortic aneurysm and aortic dissection. Last evaluated: 2024-12-23. Review status: criteria provided, single submitter. Criteria: Ambry Variant Classification Scheme 2023. Collection method: clinical testing. Allele origin: germline.

Labcorp Genetics (formerly Invitae), Labcorp
Classification: Uncertain significance for Aortic aneurysm, familial thoracic 7. Last evaluated: 2024-03-11. Review status: criteria provided, single submitter. Criteria: Invitae Variant Classification Sherloc (09022015). Collection method: clinical testing. Allele origin: germline.
Comment: This sequence change replaces lysine, which is basic and polar, with arginine, which is basic and polar, at codon 1564 of the MYLK protein (p.Lys1564Arg). This variant is present in population databases (no rsID available, gnomAD 0.06%). This variant has not been reported in the literature in individuals affected with MYLK-related conditions. ClinVar contains an entry for this variant (Variation ID: 2420091). Advanced modeling of protein sequence and biophysical properties (such as structural, functional, and spatial information, amino acid conservation, physicochemical variation, residue mobility, and thermodynamic stability) performed at Invitae indicates that this missense variant is not expected to disrupt MYLK protein function with a negative predictive value of 80%. In summary, the available evidence is currently insufficient to determine the role of this variant in disease. Therefore, it has been classified as a Variant of Uncertain Significance.